The following is an entry in ClinVar:

NM_000429.3(MAT1A):c.316G>A (p.Val106Met)

Gene: MAT1A (methionine adenosyltransferase 1A; minus strand). Cytogenetic location: 10q22.3.
Variant type: single nucleotide variant.
Coding change: c.316G>A on transcript NM_000429.3 (MANE Select); coding-DNA position 316, G replaced by A.
Protein change: p.Val106Met; replaces valine 106 with methionine.
Molecular consequence: missense variant.
Genome position (GRCh38, 1-based): chr10:80,280,769, C>T on the plus strand (G>A on the coding strand, the complement: MAT1A is on the minus strand). VCF-style: chr10-80280769-C-T. GRCh37 (hg19) VCF-style: chr10-82040525-C-T.
Other names: short protein forms V106M.
Identifiers: ClinVar variation 3339799 (VCV003339799.3).

ClinVar aggregate classification (germline): Uncertain significance. Review status: criteria provided, multiple submitters, no conflicts (2 of 4 stars). 2 submissions from 2 submitters: Uncertain significance (2). Last evaluated 2024-08-13.

Conditions:
Hepatic methionine adenosyltransferase deficiency. Also called: Deficiency of methionine adenosyltransferase; Isolated Persistent Hypermethioninemia; MAT I/III DEFICIENCY; Methionine adenosyltransferase deficiency. Identifiers: Orphanet 168598, MedGen C0268621, MeSH C564683, MONDO:0009607, OMIM 250850.

gnomAD v4.1: 2 of 1,614,052 alleles (0.00012%); highest among the groups gnomAD compares: Admixed American, 0.0017%; no homozygotes.

Submissions (2):

Labcorp Genetics (formerly Invitae), Labcorp
Classification: Uncertain significance for Hepatic methionine adenosyltransferase deficiency. Last evaluated: 2024-08-13. Review status: criteria provided, single submitter. Criteria: Invitae Variant Classification Sherloc (09022015). Collection method: clinical testing. Allele origin: germline.
Comment: This sequence change replaces valine, which is neutral and non-polar, with methionine, which is neutral and non-polar, at codon 106 of the MAT1A protein (p.Val106Met). This variant is present in population databases (no rsID available, gnomAD 0.003%). This variant has not been reported in the literature in individuals affected with MAT1A-related conditions. Invitae Evidence Modeling of protein sequence and biophysical properties (such as structural, functional, and spatial information, amino acid conservation, physicochemical variation, residue mobility, and thermodynamic stability) has been performed for this missense variant. However, the output from this modeling did not meet the statistical confidence thresholds required to predict the impact of this variant on MAT1A protein function. In summary, the available evidence is currently insufficient to determine the role of this variant in disease. Therefore, it has been classified as a Variant of Uncertain Significance.

Women's Health and Genetics/Laboratory Corporation of America, LabCorp
Classification: Uncertain significance. Last evaluated: 2024-06-25. Review status: criteria provided, single submitter. Criteria: LabCorp Variant Classification Summary - May 2015. Collection method: clinical testing. Allele origin: germline.
Comment: Variant summary: MAT1A c.316G>A (p.Val106Met) results in a conservative amino acid change located in the S-adenosylmethionine synthetase, N-terminal domain (IPR022628) of the encoded protein sequence. Four of five in-silico tools predict a damaging effect of the variant on protein function. The variant allele was found at a frequency of 4e-06 in 251468 control chromosomes (gnomAD). The available data on variant occurrences in the general population are insufficient to allow any conclusion about variant significance. c.316G>A has been reported in a newbown screening case(s) with Inborn error of metabolism without clinical information (Adhikari_2020). This report does not provide unequivocal conclusions about association of the variant with Hepatic methionine adenosyltransferase deficiency. To our knowledge, no experimental evidence demonstrating an impact on protein function has been reported. The following publication has been ascertained in the context of this evaluation (PMID: 32778825). No submitters have cited clinical-significance assessments for this variant to ClinVar. Based on the evidence outlined above, the variant was classified as uncertain significance.

Literature cited by the submitters: PubMed 32778825 (cited by Women's Health and Genetics/Laboratory Corporation of America, LabCorp).